The following is an entry in ClinVar:

ClinVar aggregate classification (germline): Likely benign (1 of 4 stars; one submission).

Allele frequency attached by ClinVar (database versions not stated): TOPMed 0.00002.
gnomAD v4.1: 45 of 1,557,784 alleles (0.0029%); highest among the groups gnomAD compares: Admixed American, 0.0038%; no homozygotes.

Submission:

GeneDx
Classification: Likely benign. Last evaluated: 2015-11-04. Review status: criteria provided, single submitter. Criteria: GeneDx Variant Classification (06012015). Collection method: clinical testing. Allele origin: germline. Affected: yes.
Comment: This variant is considered likely benign or benign based on one or more of the following criteria: it is a conservative change, it occurs at a poorly conserved position in the protein, it is predicted to be benign by multiple in silico algorithms, and/or has population frequency not consistent with disease.

NM_017775.3(TTC19):c.-169C>A

Genes: TTC19 (tetratricopeptide repeat domain 19; plus strand), ZSWIM7 (zinc finger SWIM-type containing 7; minus strand). Cytogenetic location: 17p12.
Variant type: single nucleotide variant.
Coding change: c.-169C>A on transcript NM_017775.3; 169 bases upstream of the start codon, C replaced by A.
Molecular consequence: 5 prime UTR variant (on NM_001042697.2).
Genome position (GRCh38, 1-based): chr17:15,999,680, C>A. VCF-style: chr17-15999680-C-A. GRCh37 (hg19) VCF-style: chr17-15902994-C-A.
Other names: c.-86G>T (NM_001042697.2, NM_001042698.2).
Identifiers: ClinVar variation 381081 (VCV000381081.3), dbSNP rs73276077, ClinGen allele CA8407192.